The following is an entry in ClinVar:

NM_000243.3(MEFV):c.1916G>A (p.Cys639Tyr)

Genes: MEFV (MEFV innate immunity regulator, pyrin; minus strand), LOC126862264 (CDK7 strongly-dependent group 2 enhancer GRCh37_chr16:3293322-3294521; plus strand). Cytogenetic location: 16p13.3.
Variant type: single nucleotide variant.
Coding change: c.1916G>A on transcript NM_000243.3 (MANE Select); coding-DNA position 1916, G replaced by A.
Protein change: p.Cys639Tyr; replaces cysteine 639 with tyrosine.
Molecular consequence: missense variant. On other transcripts: 3 prime UTR variant (1).
Genome position (GRCh38, 1-based): chr16:3,243,571, C>T on the plus strand (G>A on the coding strand, the complement: MEFV is on the minus strand). VCF-style: chr16-3243571-C-T. GRCh37 (hg19) VCF-style: chr16-3293571-C-T.
Other names: c.*120G>A (NM_001198536.2); short protein forms C639Y.
Identifiers: ClinVar variation 1053853 (VCV001053853.10), dbSNP rs1439074921, ClinGen allele CA394487700.

ClinVar aggregate classification (germline): Uncertain significance (1 of 4 stars; one submission).

Conditions:
Familial Mediterranean fever (FMF). Also called: POLYSEROSITIS, FAMILIAL PAROXYSMAL; POLYSEROSITIS, RECURRENT; Periodic peritonitis; Benign paroxysmal peritonitis. Identifiers: Orphanet 342, MedGen C0031069, MONDO:0018088, OMIM 249100. Disease mechanism: gain of function.

Allele frequency attached by ClinVar (database versions not stated): gnomAD 0.00001; TOPMed below 0.00001.
gnomAD v4.1: 9 of 1,609,416 alleles (0.00056%); highest among the groups gnomAD compares: African/African-American, 0.0013%; no homozygotes.

Submission:

Labcorp Genetics (formerly Invitae), Labcorp
Classification: Uncertain significance for Familial Mediterranean fever. Last evaluated: 2020-02-17. Review status: criteria provided, single submitter. Criteria: Invitae Variant Classification Sherloc (09022015). Collection method: clinical testing. Allele origin: germline.
Comment: This sequence change replaces cysteine with tyrosine at codon 639 of the MEFV protein (p.Cys639Tyr). The cysteine residue is weakly conserved and there is a large physicochemical difference between cysteine and tyrosine. This variant is not present in population databases (ExAC no frequency). This variant has not been reported in the literature in individuals with MEFV-related conditions. Algorithms developed to predict the effect of missense changes on protein structure and function output the following: SIFT: "Tolerated"; PolyPhen-2: "Probably Damaging"; Align-GVGD: "Class C0". The tyrosine amino acid residue is found in multiple mammalian species, suggesting that this missense change does not adversely affect protein function. These predictions have not been confirmed by published functional studies and their clinical significance is uncertain. In summary, the available evidence is currently insufficient to determine the role of this variant in disease. Therefore, it has been classified as a Variant of Uncertain Significance.